The following is an entry in ClinVar:

NM_002528.7(NTHL1):c.149C>T (p.Pro50Leu)

Gene: NTHL1 (nth like DNA glycosylase 1; minus strand). Cytogenetic location: 16p13.3.
Variant type: single nucleotide variant.
Coding change: c.149C>T on transcript NM_002528.7 (MANE Select); coding-DNA position 149, C replaced by T.
Protein change: p.Pro50Leu; replaces proline 50 with leucine.
Molecular consequence: missense variant. On other transcripts: 5 prime UTR variant (1).
Genome position (GRCh38, 1-based): chr16:2,046,333, G>A on the plus strand (C>T on the coding strand, the complement: NTHL1 is on the minus strand). VCF-style: chr16-2046333-G-A. GRCh37 (hg19) VCF-style: chr16-2096334-G-A.
Other names: c.149C>T, p.Pro50Leu (LRG_1366t1, NM_001318193.2); c.-30C>T (NM_001318194.2); short protein forms P50L.
Identifiers: ClinVar variation 641413 (VCV000641413.29), dbSNP rs139165943, ClinGen allele CA7828357.

ClinVar aggregate classification (germline): Conflicting classifications of pathogenicity. Review status: criteria provided, conflicting classifications (1 of 4 stars). 8 submissions from 8 submitters: Uncertain significance (7); Likely benign (1). Last evaluated 2026-09-01.

Conditions:
Familial adenomatous polyposis 3. Also called: NTHL1 Tumor Syndrome; NTHL1-related attenuated familial adenomatous polyposis; NTHL1-associated polyposis; NTHL1-Related Adenomatous Polyposis and Colorectal Cancer. Identifiers: Orphanet 220460, Orphanet 454840, MedGen C4225157, MONDO:0014630, OMIM 616415.
Hereditary cancer-predisposing syndrome. Also called: Neoplastic Syndromes, Hereditary; Tumor predisposition; Hereditary neoplastic syndrome; Hereditary Cancer Syndrome. Identifiers: Orphanet 140162, MedGen C0027672, MeSH D009386, MONDO:0015356.
NTHL1-related disorder. Also called: NTHL1-related conditions; NTHL1-related condition.

Allele frequency attached by ClinVar (database versions not stated): gnomAD exomes 0.00004 and 0.00012; ExAC 0.00013; gnomAD 0.00019; TOPMed 0.00022; ESP Exome Variant Server 0.00023; 1000 Genomes Project 0.00040; 1000 Genomes Project 30x 0.00047.

Submissions (8):

GeneDx
Classification: Uncertain significance. Last evaluated: 2026-09-01. Review status: criteria provided, single submitter. Criteria: GeneDx Variant Classification Process June 2021. Collection method: clinical testing. Allele origin: germline.
Comment: In silico analysis suggests that this missense variant does not alter protein structure/function; Has not been previously published as pathogenic or benign to our knowledge; This variant is associated with the following publications: (PMID: 8990169, 9045706, 9705289)

PreventionGenetics, part of Exact Sciences
Classification: Uncertain significance for NTHL1-related condition. Last evaluated: 2026-07-20. Review status: criteria provided, single submitter. Criteria: ACMG Guidelines, 2015. Collection method: clinical testing. Allele origin: germline.
Comment: The NTHL1 c.173C>T variant is predicted to result in the amino acid substitution p.Pro58Leu. To our knowledge, this variant has not been reported in the literature. This variant is reported in 0.060% of alleles in individuals of African descent in gnomAD and it has conflicting classifications listed in ClinVar ranging from likely benign to uncertain (Variation ID: 641413). Although we suspect that this variant may be benign, at this time, the clinical significance of this variant is uncertain due to the absence of conclusive functional and genetic evidence.

Labcorp Genetics (formerly Invitae), Labcorp
Classification: Uncertain significance. Last evaluated: 2025-12-31. Review status: criteria provided, single submitter. Criteria: Invitae Variant Classification Sherloc (09022015). Collection method: clinical testing. Allele origin: germline.
Comment: This sequence change replaces proline, which is neutral and non-polar, with leucine, which is neutral and non-polar, at codon 58 of the NTHL1 protein (p.Pro58Leu). This variant is present in population databases (rs139165943, gnomAD 0.05%). This variant has not been reported in the literature in individuals affected with NTHL1-related conditions. ClinVar contains an entry for this variant (Variation ID: 641413). An algorithm developed to predict the effect of missense changes on protein structure and function (PolyPhen-2) suggests that this variant is likely to be tolerated. In summary, the available evidence is currently insufficient to determine the role of this variant in disease. Therefore, it has been classified as a Variant of Uncertain Significance.

Quest Diagnostics Nichols Institute San Juan Capistrano
Classification: Uncertain significance. Last evaluated: 2025-08-19. Review status: criteria provided, single submitter. Criteria: Quest Diagnostics criteria. Collection method: clinical testing. Allele origin: unknown.
Comment: The NTHL1 c.173C>T (p.Pro58Leu) variant has not been reported in individuals with NTHL1-related conditions in the published literature. The frequency of this variant in the general population, 0.0006 (15/24914 chromosomes), is uninformative in assessment of its pathogenicity. Analysis of this variant using bioinformatics tools for the prediction of the effect of amino acid changes on protein structure and function yielded predictions that this variant is benign. Based on the available information, we are unable to determine the clinical significance of this variant.

Ambry Genetics
Classification: Likely benign for Hereditary cancer-predisposing syndrome. Last evaluated: 2025-08-15. Review status: criteria provided, single submitter. Criteria: Ambry Variant Classification Scheme 2023. Collection method: clinical testing. Allele origin: germline.

St. Jude Molecular Pathology, St. Jude Children's Research Hospital
Classification: Uncertain significance for Familial adenomatous polyposis 3. Last evaluated: 2025-06-17. Review status: criteria provided, single submitter. Criteria: St. Jude Assertion Criteria 2020. Collection method: clinical testing. Allele origin: germline.
Comment: The NTHL1 c.149C>T p.(Pro50Leu) missense change has a maximum subpopulation frequency of 0.06% in gnomAD v2.1.1. The in silico tool REVEL predicts a benign effect on protein function, but to our knowledge this prediction has not been confirmed by functional studies. To our knowledge, this variant has not been reported in individuals with NTHL1-associated polyposis. In summary, the evidence currently available is insufficient to determine the clinical significance of this variant. It has therefore been classified as of uncertain significance.

Fulgent Genetics
Classification: Uncertain significance for Familial adenomatous polyposis 3. Last evaluated: 2024-02-19. Review status: criteria provided, single submitter. Criteria: ACMG Guidelines, 2015. Collection method: clinical testing. Allele origin: germline.

Sema4
Classification: Uncertain significance for Hereditary cancer-predisposing syndrome. Last evaluated: 2022-01-26. Review status: criteria provided, single submitter. Criteria: Sema4 Curation Guidelines. Collection method: curation. Allele origin: germline.
Comment: The NTHL1 c.173C>T (p.P58L) variant has not been reported in the literature to our knowledge. It was observed in 15/24914 chromosomes in the African/African American subpopulation, according to the Genome Aggregation Database (PMID: 32461654). The variant has been reported in ClinVar (Variation ID: 641413). In silico tools suggest the impact of the variant on protein function is benign, though these predictions have not been confirmed by functional studies. The evidence is insufficient to meet ACMG/AMP criteria for classifying the variant as benign or pathogenic. Thus, the clinical significance of this variant is currently uncertain.